The following is an entry in ClinVar:

NM_015047.3(EMC1):c.713C>T (p.Pro238Leu)

Genes: EMC1 (ER membrane protein complex subunit 1; minus strand), EMC1-AS1 (EMC1 antisense RNA 1; plus strand). Cytogenetic location: 1p36.13.
Variant type: single nucleotide variant.
Coding change: c.713C>T on transcript NM_015047.3 (MANE Select); coding-DNA position 713, C replaced by T.
Protein change: p.Pro238Leu; replaces proline 238 with leucine.
Molecular consequence: missense variant. On other transcripts: non-coding transcript variant (1).
Genome position (GRCh38, 1-based): chr1:19,240,370, G>A on the plus strand (C>T on the coding strand, the complement: EMC1 is on the minus strand). VCF-style: chr1-19240370-G-A. GRCh37 (hg19) VCF-style: chr1-19566864-G-A.
Other names: c.713C>T, p.Pro238Leu (NM_001271427.2, NM_001271428.2, NM_001375820.1 and 1 more transcripts); c.647C>T, p.Pro216Leu (NM_001271429.2); c.713C>T (NM_015047.1); short protein forms P216L, P238L.
Identifiers: ClinVar variation 1312337 (VCV001312337.9), dbSNP rs199964251, ClinGen allele CA652817.

ClinVar aggregate classification (germline): Uncertain significance. Review status: criteria provided, multiple submitters, no conflicts (2 of 4 stars). 4 submissions from 4 submitters: Uncertain significance (4). Last evaluated 2025-07-27.

Conditions:
Inborn genetic diseases. Identifiers: MedGen C0950123, MeSH D030342.
Cerebellar atrophy, visual impairment, and psychomotor retardation;. Also called: Cerebellar atrophy, visual impairment, and psychomotor retardation. Identifiers: MedGen C4225172, MONDO:0014811, OMIM 616875.

Allele frequency attached by ClinVar (database versions not stated): gnomAD exomes 0.00001; TOPMed 0.00001; ExAC 0.00002; gnomAD 0.00002.

Submissions (4):

Labcorp Genetics (formerly Invitae), Labcorp
Classification: Uncertain significance. Last evaluated: 2025-07-27. Review status: criteria provided, single submitter. Criteria: Invitae Variant Classification Sherloc (09022015). Collection method: clinical testing. Allele origin: germline.
Comment: This sequence change replaces proline, which is neutral and non-polar, with leucine, which is neutral and non-polar, at codon 238 of the EMC1 protein (p.Pro238Leu). This variant is present in population databases (rs199964251, gnomAD 0.003%). This variant has not been reported in the literature in individuals affected with EMC1-related conditions. ClinVar contains an entry for this variant (Variation ID: 1312337). Invitae Evidence Modeling of protein sequence and biophysical properties (such as structural, functional, and spatial information, amino acid conservation, physicochemical variation, residue mobility, and thermodynamic stability) indicates that this missense variant is not expected to disrupt EMC1 protein function with a negative predictive value of 80%. In summary, the available evidence is currently insufficient to determine the role of this variant in disease. Therefore, it has been classified as a Variant of Uncertain Significance.

Ambry Genetics
Classification: Uncertain significance for Inborn genetic diseases. Last evaluated: 2021-05-01. Review status: criteria provided, single submitter. Criteria: Ambry Variant Classification Scheme 2023. Collection method: clinical testing. Allele origin: germline.

Baylor Genetics
Classification: Uncertain significance for Cerebellar atrophy, visual impairment, and psychomotor retardation;. Last evaluated: 2021-01-04. Review status: criteria provided, single submitter. Criteria: ACMG Guidelines, 2015. Collection method: clinical testing. Allele origin: unknown.

GeneDx
Classification: Uncertain significance. Last evaluated: 2019-10-07. Review status: criteria provided, single submitter. Criteria: GeneDx Variant Classification Process June 2021. Collection method: clinical testing. Allele origin: germline. Affected: yes.
Comment: Not observed at a significant frequency in large population cohorts (Lek et al., 2016); In silico analysis, which includes protein predictors and evolutionary conservation, supports that this variant does not alter protein structure/function; Has not been previously published as pathogenic or benign to our knowledge